The following is an entry in ClinVar:

NM_020297.4(ABCC9):c.854_856dup (p.Ile285_Trp286insLeu)

Gene: ABCC9 (ATP binding cassette subfamily C member 9; minus strand). Cytogenetic location: 12p12.1.
Variant type: Duplication.
Coding change: c.854_856dup on transcript NM_020297.4 (MANE Select); coding-DNA positions 854 to 856, 3 bases duplicated (TAT; older notation c.854_856dupTAT).
Protein change: p.Ile285_Trp286insLeu.
Molecular consequence: inframe insertion. On other transcripts: 5 prime UTR variant (1).
Genome position (GRCh38, 1-based): chr12:21,913,027-21,913,029, ATA duplicated on the plus strand (TAT on the coding strand, the reverse complement: ABCC9 is on the minus strand). VCF-style (leftmost placement, unchanged base first): chr12-21913026-C-CATA. GRCh37 (hg19) VCF-style: chr12-22065960-C-CATA.
Other names: c.854_856dup, p.Ile285_Trp286insLeu (NM_001377273.1, NM_005691.4); c.-11_-9dup (NM_001377274.1).
Identifiers: ClinVar variation 1470942 (VCV001470942.6), dbSNP rs2137892080, ClinGen allele CA2573148469.

ClinVar aggregate classification (germline): Uncertain significance (1 of 4 stars; one submission).

Conditions:
Dilated cardiomyopathy 1O (CMD1O). Also called: CARDIOMYOPATHY, DILATED, WITH VENTRICULAR TACHYCARDIA. Identifiers: Orphanet 154, MedGen C1837839, MONDO:0012062, OMIM 608569.

Submission:

Labcorp Genetics (formerly Invitae), Labcorp
Classification: Uncertain significance for Dilated cardiomyopathy 1O. Last evaluated: 2021-08-26. Review status: criteria provided, single submitter. Criteria: Invitae Variant Classification Sherloc (09022015). Collection method: clinical testing. Allele origin: germline.
Comment: This variant has not been reported in the literature in individuals affected with ABCC9-related conditions. Experimental studies and prediction algorithms are not available or were not evaluated, and the functional significance of this variant is currently unknown. In summary, the available evidence is currently insufficient to determine the role of this variant in disease. Therefore, it has been classified as a Variant of Uncertain Significance. This variant is not present in population databases (ExAC no frequency). This variant, c.854_856dup, results in the insertion of 1 amino acid(s) to the ABCC9 protein (p.Ile285_Trp286insLeu), but otherwise preserves the integrity of the reading frame.